The following is an entry in ClinVar:

NM_001375567.1(FOCAD):c.3825_3829del (p.Ala1276fs)

Gene: FOCAD (focadhesin; plus strand). Cytogenetic location: 9p21.3.
Variant type: Deletion.
Coding change: c.3825_3829del on transcript NM_001375567.1 (MANE Select); coding-DNA positions 3825 to 3829, 5 bases deleted (AGCTC; older notation c.3825_3829delAGCTC).
Protein change: p.Ala1276fs; shifts the reading frame from alanine 1276.
Molecular consequence: frameshift variant.
Genome position (GRCh38, 1-based): chr9:20,948,877-20,948,881, AGCTC deleted; deleting any 5 consecutive bases within chr9:20,948,876-20,948,881 gives the same sequence; the c. name uses the placement nearest the transcript's 3' end. VCF-style (leftmost placement, unchanged base first): chr9-20948875-GCAGCT-G. GRCh37 (hg19) VCF-style: chr9-20948874-GCAGCT-G.
Other names: c.3720_3724del, p.Ala1241fs (NM_001375568.1, NM_001375570.1); c.3825_3829del, p.Ala1276fs (NM_017794.5); short protein forms A1241fs, A1276fs.
Identifiers: ClinVar variation 3648279 (VCV003648279.2).
Genomic context (GRCh38, chr9:20,948,875, plus strand): 5'-ATTCCCTCTTTTCATATTCTGATGCTTTGTTTTCAGGGCACTCCCACAATGCTTTGTCTG[GCAGCT>G]CTTCATGGCATGGTGGCCTTGGTAGGCTCTGAAGGGGATGTAATGCAGGTAAAGAAAGGA-3'

ClinVar aggregate classification (germline): Uncertain significance (1 of 4 stars; one submission).

Submission:

Labcorp Genetics (formerly Invitae), Labcorp
Classification: Uncertain significance. Last evaluated: 2024-04-01. Review status: criteria provided, single submitter. Criteria: Invitae Variant Classification Sherloc (09022015). Collection method: clinical testing. Allele origin: germline.
Comment: This sequence change creates a premature translational stop signal (p.Ala1276Serfs*10) in the FOCAD gene. It is expected to result in an absent or disrupted protein product. However, the current clinical and genetic evidence is not sufficient to establish whether loss-of-function variants in FOCAD cause disease. This variant is not present in population databases (gnomAD no frequency). This variant has not been reported in the literature in individuals affected with FOCAD-related conditions. Algorithms developed to predict the effect of sequence changes on RNA splicing suggest that this variant may disrupt the consensus splice site. In summary, the available evidence is currently insufficient to determine the role of this variant in disease. Therefore, it has been classified as a Variant of Uncertain Significance.